The following is an entry in ClinVar:

NM_172166.4(MSH5):c.85C>T (p.Pro29Ser)

Genes: MSH5 (mutS homolog 5; plus strand), MSH5-SAPCD1 (MSH5-SAPCD1 readthrough (NMD candidate); plus strand). Cytogenetic location: 6p21.33.
Variant type: single nucleotide variant.
Coding change: c.85C>T on transcript NM_172166.4 (MANE Select); coding-DNA position 85, C replaced by T.
Protein change: p.Pro29Ser; replaces proline 29 with serine.
Molecular consequence: missense variant. On other transcripts: non-coding transcript variant (1).
Genome position (GRCh38, 1-based): chr6:31,740,551, C>T. VCF-style: chr6-31740551-C-T. GRCh37 (hg19) VCF-style: chr6-31708328-C-T.
Other names: c.85C>T, p.Pro29Ser (NM_002441.5, NM_025259.6, NM_172165.4); c.85C>T (NM_025259.5); short protein forms P29S.
Identifiers: ClinVar variation 403111 (VCV000403111.6), dbSNP rs2075789, ClinGen allele CA3720874.
Genomic context (GRCh38, chr6:31,740,551, plus strand): 5'-AGGAGGACACCGCAGGGACCGAGACCTGGGGCGGCCTCCTCCGGCTTCCCCAGCCCGGCC[C>T]CAGTGCCGGGCCCCAGGGAGGCCGAGGAGGAGGAAGTCGAGGAGGAGGAGGAGCTGGCCG-3'
Protein context (NP_751898.1, residues 19-39): AASSGFPSPA[Pro29Ser]VPGPREAEEE

ClinVar aggregate classification (germline): Benign. Review status: criteria provided, single submitter (1 of 4 stars). 2 submissions from 2 submitters: Benign (1). 1 of the submissions does not count toward it. Last evaluated 2016-03-29.

Conditions:
MSH5-related disorder. Also called: MSH5-related condition.

Allele frequency attached by ClinVar (database versions not stated): ESP Exome Variant Server 0.06609; TOPMed 0.08902; gnomAD 0.09003; 1000 Genomes Project 30x 0.09822; gnomAD exomes 0.09881 and 0.12638; 1000 Genomes Project 0.10184; ExAC 0.14628.

Submissions (2):

Laboratory for Molecular Medicine, Mass General Brigham Personalized Medicine
Classification: Benign. Last evaluated: 2016-03-29. Review status: criteria provided, single submitter. Criteria: LMM Criteria. Collection method: clinical testing. Allele origin: germline.
Comment: Variant identified in a genome or exome case(s) and assessed due to predicted null impact of the variant or pathogenic assertions in the literature or databases. Disclaimer: This variant has not undergone full assessment. The following are preliminary notes: MAF

PreventionGenetics, part of Exact Sciences
Classification: Benign for MSH5-related condition. Last evaluated: 2019-07-24. Review status: no assertion criteria provided. Collection method: clinical testing. Allele origin: germline. Not counted in ClinVar's aggregate classification.
Comment: This variant is classified as benign based on ACMG/AMP sequence variant interpretation guidelines (Richards et al. 2015 PMID: 25741868, with internal and published modifications).